The following is an entry in ClinVar:

NM_000051.4(ATM):c.1452G>T (p.Trp484Cys)

Gene: ATM (ATM serine/threonine kinase; plus strand). Cytogenetic location: 11q22.3.
Variant type: single nucleotide variant.
Coding change: c.1452G>T on transcript NM_000051.4 (MANE Select); coding-DNA position 1452, G replaced by T.
Protein change: p.Trp484Cys; replaces tryptophan 484 with cysteine.
Molecular consequence: missense variant.
Genome position (GRCh38, 1-based): chr11:108,250,917, G>T. VCF-style: chr11-108250917-G-T. GRCh37 (hg19) VCF-style: chr11-108121644-G-T.
Other names: c.1452G>T, p.Trp484Cys (NM_001351834.2); short protein forms W484C.
Identifiers: ClinVar variation 4169803 (VCV004169803.1).
Genomic context (GRCh38, chr11:108,250,917, plus strand): 5'-GTGTCAAGACAAGAGGTCAAACCTAGAAAGCTCACAAAAGTCAGATTTATTAAAACTCTG[G>T]AATAAAATTTGGTGTATTACCTTTCGTGGTATAAGTTCTGAGCAAATACAAGCTGAAAAC-3'
Protein context (NP_000042.3, residues 474-494): SSQKSDLLKL[Trp484Cys]NKIWCITFRG

ClinVar aggregate classification (germline): Uncertain significance (1 of 4 stars; one submission).

Conditions:
Hereditary cancer-predisposing syndrome. Also called: Neoplastic Syndromes, Hereditary; Tumor predisposition; Hereditary Cancer Syndrome; Hereditary neoplastic syndrome. Identifiers: Orphanet 140162, MedGen C0027672, MeSH D009386, MONDO:0015356.

Submission:

Ambry Genetics
Classification: Uncertain significance for Hereditary cancer-predisposing syndrome. Last evaluated: 2025-08-02. Review status: criteria provided, single submitter. Criteria: Ambry Variant Classification Scheme 2023. Collection method: clinical testing. Allele origin: germline.
Comment: The p.W484C variant (also known as c.1452G>T), located in coding exon 9 of the ATM gene, results from a G to T substitution at nucleotide position 1452. The tryptophan at codon 484 is replaced by cysteine, an amino acid with highly dissimilar properties. This amino acid position is conserved. In addition, this alteration is predicted to be deleterious by in silico analysis. Based on the available evidence, the clinical significance of this variant remains unclear.